The following is an entry in ClinVar:

ClinVar aggregate classification (germline): Uncertain significance. Review status: criteria provided, multiple submitters, no conflicts (2 of 4 stars). 2 submissions from 2 submitters: Uncertain significance (2). Last evaluated 2025-04-01.

Conditions:
Inborn genetic diseases. Identifiers: MedGen C0950123, MeSH D030342.

Allele frequency attached by ClinVar (database versions not stated): gnomAD 0.00002; gnomAD exomes 0.00001.
gnomAD v4.1: 10 of 1,613,892 alleles (0.00062%); highest among the groups gnomAD compares: South Asian, 0.0011%; no homozygotes.

Submissions (2):

Ambry Genetics
Classification: Uncertain significance for Inborn genetic diseases. Last evaluated: 2025-04-01. Review status: criteria provided, single submitter. Criteria: Ambry Variant Classification Scheme 2023. Collection method: clinical testing. Allele origin: germline.

Labcorp Genetics (formerly Invitae), Labcorp
Classification: Uncertain significance. Last evaluated: 2022-09-01. Review status: criteria provided, single submitter. Criteria: Invitae Variant Classification Sherloc (09022015). Collection method: clinical testing. Allele origin: germline.
Comment: This sequence change replaces arginine, which is basic and polar, with glutamine, which is neutral and polar, at codon 146 of the TTC37 protein (p.Arg146Gln). This variant is present in population databases (no rsID available, gnomAD 0.009%). This variant has not been reported in the literature in individuals affected with TTC37-related conditions. ClinVar contains an entry for this variant (Variation ID: 1368456). Algorithms developed to predict the effect of missense changes on protein structure and function (SIFT, PolyPhen-2, Align-GVGD) all suggest that this variant is likely to be tolerated. In summary, the available evidence is currently insufficient to determine the role of this variant in disease. Therefore, it has been classified as a Variant of Uncertain Significance.

NM_014639.4(SKIC3):c.437G>A (p.Arg146Gln)

Gene: SKIC3 (SKI3 subunit of superkiller complex; minus strand). Cytogenetic location: 5q15.
Variant type: single nucleotide variant.
Coding change: c.437G>A on transcript NM_014639.4 (MANE Select); coding-DNA position 437, G replaced by A.
Protein change: p.Arg146Gln; replaces arginine 146 with glutamine.
Molecular consequence: missense variant.
Genome position (GRCh38, 1-based): chr5:95,540,796, C>T on the plus strand (G>A on the coding strand, the complement: SKIC3 is on the minus strand). VCF-style: chr5-95540796-C-T. GRCh37 (hg19) VCF-style: chr5-94876500-C-T.
Other names: c.437G>A (NM_014639.3); short protein forms R146Q.
Identifiers: ClinVar variation 1368456 (VCV001368456.6), dbSNP rs1352204815, ClinGen allele CA360443413.